The following is an entry in ClinVar:

ClinVar aggregate classification (germline): Uncertain significance. Review status: criteria provided, multiple submitters, no conflicts (2 of 4 stars). 4 submissions from 4 submitters: Uncertain significance (4). Last evaluated 2026-01-27.

Conditions:
Inborn genetic diseases. Identifiers: MedGen C0950123, MeSH D030342.
Congenital myotonia, autosomal dominant form (THD). Also called: THOMSEN DISEASE; Myotonia congenita autosomal dominant. Identifiers: Orphanet 614, MedGen C2936781, MONDO:0008055, OMIM 160800.
Congenital myotonia, autosomal recessive form. Also called: Becker Generalized Myotonia; myotonia congenita, autosomal recessive; BECKER DISEASE. Identifiers: Orphanet 614, MedGen C0751360, MONDO:0009715, OMIM 255700.

Allele frequency attached by ClinVar (database versions not stated): gnomAD 0.00001; gnomAD exomes 0.00001; TOPMed 0.00001.
gnomAD v4.1: 22 of 1,614,020 alleles (0.0014%); highest among the groups gnomAD compares: African/African-American, 0.004%; no homozygotes.

Submissions (4):

Labcorp Genetics (formerly Invitae), Labcorp
Classification: Uncertain significance for Congenital myotonia, autosomal recessive form; Congenital myotonia, autosomal dominant form. Last evaluated: 2026-01-27. Review status: criteria provided, single submitter. Criteria: Invitae Variant Classification Sherloc (09022015). Collection method: clinical testing. Allele origin: germline.
Comment: This sequence change replaces arginine, which is basic and polar, with glutamine, which is neutral and polar, at codon 888 of the CLCN1 protein (p.Arg888Gln). This variant is not present in population databases (gnomAD no frequency). This variant has not been reported in the literature in individuals affected with CLCN1-related conditions. ClinVar contains an entry for this variant (Variation ID: 1043353). Invitae Evidence Modeling of protein sequence and biophysical properties (such as structural, functional, and spatial information, amino acid conservation, physicochemical variation, residue mobility, and thermodynamic stability) has been performed for this missense variant. However, the output from this modeling did not meet the statistical confidence thresholds required to predict the impact of this variant on CLCN1 protein function. In summary, the available evidence is currently insufficient to determine the role of this variant in disease. Therefore, it has been classified as a Variant of Uncertain Significance.

Ambry Genetics
Classification: Uncertain significance for Inborn genetic diseases. Last evaluated: 2025-12-24. Review status: criteria provided, single submitter. Criteria: Ambry Variant Classification Scheme 2023. Collection method: clinical testing. Allele origin: germline.

Revvity Omics, Revvity
Classification: Uncertain significance. Last evaluated: 2024-12-05. Review status: criteria provided, single submitter. Criteria: ACMG Guidelines, 2015. Collection method: clinical testing. Allele origin: germline.

Athena Diagnostics
Classification: Uncertain significance. Last evaluated: 2023-06-30. Review status: criteria provided, single submitter. Criteria: Athena Diagnostics Criteria. Collection method: clinical testing. Allele origin: unknown.
Comment: Available data are insufficient to determine the clinical significance of the variant at this time. The frequency of this variant in the general population is uninformative in assessment of its pathogenicity. Computational tools disagree on the variant's effect on normal protein function.

NM_000083.3(CLCN1):c.2663G>A (p.Arg888Gln)

Gene: CLCN1 (chloride voltage-gated channel 1; plus strand). Cytogenetic location: 7q34.
Variant type: single nucleotide variant.
Coding change: c.2663G>A on transcript NM_000083.3 (MANE Select); coding-DNA position 2663, G replaced by A.
Protein change: p.Arg888Gln; replaces arginine 888 with glutamine.
Molecular consequence: missense variant. On other transcripts: non-coding transcript variant (1).
Genome position (GRCh38, 1-based): chr7:143,351,661, G>A. VCF-style: chr7-143351661-G-A. GRCh37 (hg19) VCF-style: chr7-143048754-G-A.
Other names: short protein forms R888Q.
Identifiers: ClinVar variation 1043353 (VCV001043353.12), dbSNP rs771890096, ClinGen allele CA168231457.